The following is an entry in ClinVar:

ClinVar aggregate classification (germline): Uncertain significance (1 of 4 stars; one submission).

Submission:

Labcorp Genetics (formerly Invitae), Labcorp
Classification: Uncertain significance. Last evaluated: 2024-04-22. Review status: criteria provided, single submitter. Criteria: Invitae Variant Classification Sherloc (09022015). Collection method: clinical testing. Allele origin: germline.
Comment: This sequence change replaces threonine, which is neutral and polar, with alanine, which is neutral and non-polar, at codon 278 of the LTBP2 protein (p.Thr278Ala). This variant is not present in population databases (gnomAD no frequency). This variant has not been reported in the literature in individuals affected with LTBP2-related conditions. ClinVar contains an entry for this variant (Variation ID: 1998781). An algorithm developed to predict the effect of missense changes on protein structure and function (PolyPhen-2) suggests that this variant is likely to be tolerated. In summary, the available evidence is currently insufficient to determine the role of this variant in disease. Therefore, it has been classified as a Variant of Uncertain Significance.

NM_000428.3(LTBP2):c.832A>G (p.Thr278Ala)

Gene: LTBP2 (latent transforming growth factor beta binding protein 2; minus strand). Cytogenetic location: 14q24.3.
Variant type: single nucleotide variant.
Coding change: c.832A>G on transcript NM_000428.3 (MANE Select); coding-DNA position 832, A replaced by G.
Protein change: p.Thr278Ala; replaces threonine 278 with alanine.
Molecular consequence: missense variant.
Genome position (GRCh38, 1-based): chr14:74,555,692, T>C on the plus strand (A>G on the coding strand, the complement: LTBP2 is on the minus strand). VCF-style: chr14-74555692-T-C. GRCh37 (hg19) VCF-style: chr14-75022395-T-C.
Other names: short protein forms T278A.
Identifiers: ClinVar variation 1998781 (VCV001998781.4), dbSNP rs2506176507, ClinGen allele CA390403249.